The following is an entry in ClinVar:

NM_000059.4(BRCA2):c.4998_5017dup (p.Thr1673delinsIleGlnProTer)

Gene: BRCA2 (BRCA2 DNA repair associated; plus strand). Cytogenetic location: 13q13.1.
Variant type: Duplication.
Coding change: c.4998_5017dup on transcript NM_000059.4 (MANE Select); coding-DNA positions 4998 to 5017, 20 bases duplicated (TTCAGCCTTAGCTTTTTACA).
Protein change: p.Thr1673delinsIleGlnProTer.
Molecular consequence: nonsense. On other transcripts: non-coding transcript variant (1), intron variant (2), frameshift variant (1).
Genome position (GRCh38, 1-based): chr13:32,339,353-32,339,372, TTCAGCCTTAGCTTTTTACA duplicated; duplicating any 20 consecutive bases within chr13:32,339,352-32,339,372 gives the same sequence; the c. name uses the placement nearest the transcript's 3' end. VCF-style (leftmost placement, unchanged base first): chr13-32339351-A-AATTCAGCCTTAGCTTTTTAC. GRCh37 (hg19) VCF-style: chr13-32913488-A-AATTCAGCCTTAGCTTTTTAC.
Other names: c.4998_5017dup, p.Thr1673delinsIleGlnProTer (NM_001406719.1, NM_001406720.1, NM_001432077.1); c.1910-5205_1910-5186dup (NM_001406721.1); c.425-5205_425-5186dup (NM_001406722.1); c.4998_5017dupTTCAGCCTTAGCTTTTTACA (NM_000059.3).
Identifiers: ClinVar variation 3482110 (VCV003482110.1).

ClinVar aggregate classification (germline): Pathogenic (1 of 4 stars; one submission).

Conditions:
Hereditary cancer-predisposing syndrome. Also called: Tumor predisposition; Neoplastic Syndromes, Hereditary; Hereditary Cancer Syndrome; Hereditary neoplastic syndrome. Identifiers: Orphanet 140162, MedGen C0027672, MeSH D009386, MONDO:0015356.

Submission:

Ambry Genetics
Classification: Pathogenic for Hereditary cancer-predisposing syndrome. Last evaluated: 2024-09-30. Review status: criteria provided, single submitter. Criteria: Ambry Variant Classification Scheme 2023. Collection method: clinical testing. Allele origin: germline.
Comment: The c.4998_5017dup20 pathogenic mutation, located in coding exon 10 of the BRCA2 gene, results from a duplication of 20 nucleotides (TTCAGCCTTAGCTTTTTACA) at position 4998, causing a translational frameshift with a predicted alternate stop codon (p.T1673Ifs*4). This variant is considered to be rare based on population cohorts in the Genome Aggregation Database (gnomAD). This alteration is expected to result in loss of function by premature protein truncation or nonsense-mediated mRNA decay. As such, this alteration is interpreted as a disease-causing mutation.